The following is an entry in ClinVar:

ClinVar aggregate classification (germline): Uncertain significance (1 of 4 stars; one submission).

Submission:

Labcorp Genetics (formerly Invitae), Labcorp
Classification: Uncertain significance. Last evaluated: 2022-03-14. Review status: criteria provided, single submitter. Criteria: Invitae Variant Classification Sherloc (09022015). Collection method: clinical testing. Allele origin: germline.
Comment: In summary, the available evidence is currently insufficient to determine the role of this variant in disease. Therefore, it has been classified as a Variant of Uncertain Significance. Algorithms developed to predict the effect of missense changes on protein structure and function are either unavailable or do not agree on the potential impact of this missense change (SIFT: "Deleterious"; PolyPhen-2: "Probably Damaging"; Align-GVGD: "Class C15"). This variant has not been reported in the literature in individuals affected with POLE-related conditions. This variant is not present in population databases (gnomAD no frequency). This sequence change replaces tyrosine, which is neutral and polar, with phenylalanine, which is neutral and non-polar, at codon 726 of the POLE protein (p.Tyr726Phe).

NM_006231.4(POLE):c.2177A>T (p.Tyr726Phe)

Gene: POLE (DNA polymerase epsilon, catalytic subunit; minus strand). Cytogenetic location: 12q24.33.
Variant type: single nucleotide variant.
Coding change: c.2177A>T on transcript NM_006231.4 (MANE Select); coding-DNA position 2177, A replaced by T.
Protein change: p.Tyr726Phe; replaces tyrosine 726 with phenylalanine.
Molecular consequence: missense variant.
Genome position (GRCh38, 1-based): chr12:132,667,645, T>A on the plus strand (A>T on the coding strand, the complement: POLE is on the minus strand). VCF-style: chr12-132667645-T-A. GRCh37 (hg19) VCF-style: chr12-133244231-T-A.
Other names: short protein forms Y726F.
Identifiers: ClinVar variation 2112036 (VCV002112036.4), dbSNP rs2542090848, ClinGen allele CA387353346.